The following is an entry in ClinVar:

NM_052963.3(TOP1MT):c.593G>A (p.Arg198His)

Gene: TOP1MT (DNA topoisomerase I mitochondrial; minus strand). Cytogenetic location: 8q24.3.
Variant type: single nucleotide variant.
Coding change: c.593G>A on transcript NM_052963.3 (MANE Select); coding-DNA position 593, G replaced by A.
Protein change: p.Arg198His; replaces arginine 198 with histidine.
Molecular consequence: missense variant.
Genome position (GRCh38, 1-based): chr8:143,325,424, C>T on the plus strand (G>A on the coding strand, the complement: TOP1MT is on the minus strand). VCF-style: chr8-143325424-C-T. GRCh37 (hg19) VCF-style: chr8-144407594-C-T.
Other names: c.299G>A, p.Arg100His (NM_001258446.1, NM_001258447.1); short protein forms R198H, R100H.
Identifiers: ClinVar variation 3012072 (VCV003012072.3), dbSNP rs751215094, ClinGen allele CA4908767.

ClinVar aggregate classification (germline): Uncertain significance (1 of 4 stars; one submission).

Allele frequency attached by ClinVar (database versions not stated): gnomAD 0.00001; ExAC 0.00002; TOPMed 0.00002.
gnomAD v4.1: 28 of 1,612,770 alleles (0.0017%); highest among the groups gnomAD compares: Middle Eastern, 0.016%; no homozygotes.

Submission:

Labcorp Genetics (formerly Invitae), Labcorp
Classification: Uncertain significance. Last evaluated: 2024-01-02. Review status: criteria provided, single submitter. Criteria: Invitae Variant Classification Sherloc (09022015). Collection method: clinical testing. Allele origin: germline.
Comment: This sequence change replaces arginine, which is basic and polar, with histidine, which is basic and polar, at codon 198 of the TOP1MT protein (p.Arg198His). This variant is present in population databases (rs751215094, gnomAD 0.003%). This variant has not been reported in the literature in individuals affected with TOP1MT-related conditions. Advanced modeling of protein sequence and biophysical properties (such as structural, functional, and spatial information, amino acid conservation, physicochemical variation, residue mobility, and thermodynamic stability) performed at Invitae indicates that this missense variant is expected to disrupt TOP1MT protein function with a positive predictive value of 80%. In summary, the available evidence is currently insufficient to determine the role of this variant in disease. Therefore, it has been classified as a Variant of Uncertain Significance.